The following continues an entry in ClinVar:

NM_000492.4(CFTR):c.3208C>T (p.Arg1070Trp)

ClinVar aggregate classification (germline): drug response. drug response (1).

Submissions 7 to 15 of 23:

Ambry Genetics
Classification: Pathogenic for Cystic fibrosis. Last evaluated: 2025-01-21. Review status: criteria provided, single submitter. Criteria: Ambry Variant Classification Scheme 2023. Collection method: clinical testing. Allele origin: germline. Not counted in ClinVar's aggregate classification.
Comment: The p.R1070W pathogenic mutation (also known as c.3208C>T), located in coding exon 20 of the CFTR gene, results from a C to T substitution at nucleotide position 3208. The arginine at codon 1070 is replaced by tryptophan, an amino acid with dissimilar properties. In one study, this mutation was identified in conjunction with a second CFTR alteration in 24 individuals with pancreatic sufficient cystic fibrosis or congenital bilateral absence of the vas deferens (CBAVD) (Krasnov KV et al. Hum. Mutat., 2008 Nov;29:1364-72). In vitro functional studies showed that cells with this mutation have significantly decreased chloride conductance compared to wild type (Sosnay PR et al. Nat. Genet., 2013 Oct;45:1160-7; Van Goor F et al. J. Cyst. Fibros., 2014 Jan;13:29-36) and CFTR protein with this mutation was able to process into mature protein but with decreased efficiency compared to wild-type (Krasnov KV et al. Hum. Mutat., 2008 Nov;29:1364-72). The p.R1070W alteration has been reported as a variant of varying clinical consequences (VVCC) (Sosnay PR et al. Nat. Genet. 2013 Oct; 45(10):1160-7; Sosnay PR et al. Pediatr. Clin. North Am. 2016 Aug;63(4):585-98). This amino acid position is highly conserved in available vertebrate species. In addition, this alteration is predicted to be deleterious by in silico analysis. Based on the supporting evidence, this variant is interpreted as a disease-causing mutation.

Fulgent Genetics
Classification: Pathogenic for Hereditary pancreatitis; Bronchiectasis with or without elevated sweat chloride 1; Cystic fibrosis; Congenital bilateral aplasia of vas deferens from CFTR mutation. Last evaluated: 2024-04-11. Review status: criteria provided, single submitter. Criteria: ACMG Guidelines, 2015. Collection method: clinical testing. Allele origin: germline. Not counted in ClinVar's aggregate classification.

Baylor Genetics
Classification: Pathogenic for Bronchiectasis with or without elevated sweat chloride 1. Last evaluated: 2024-03-28. Review status: criteria provided, single submitter. Criteria: ACMG Guidelines, 2015. Collection method: clinical testing. Allele origin: unknown. Not counted in ClinVar's aggregate classification.

Blueprint Genetics
Classification: Pathogenic for CFTR-related disorders. Last evaluated: 2024-01-26. Review status: criteria provided, single submitter. Criteria: ACMG Guidelines, 2015. Collection method: clinical testing. Allele origin: de novo. Affected: yes. Observed: 5 variant alleles. Not counted in ClinVar's aggregate classification.

ARUP Laboratories, Molecular Genetics and Genomics, ARUP Laboratories
Classification: Pathogenic. Last evaluated: 2023-08-15. Review status: criteria provided, single submitter. Criteria: ARUP Molecular Germline Variant Investigation Process 2024. Collection method: clinical testing. Allele origin: germline. Not counted in ClinVar's aggregate classification.
Comment: The CFTR c.3208C>T; p.Arg1070Trp variant (rs202179988) is reported in the literature in dozens of individuals affected with cystic fibrosis (CF) or other CFTR-related disorders (Jezequel 1995, Krasnov 2008, Sosnay 2013, CFTR2 database). Most patients carrying p.Arg1070Trp and a second CF-causing variant exhibit non-classic CF or milder symptoms such as congenital absence of the vas deferens or pancreatitis, although a minority of patients are reported with pancreatic-insufficient CF (Krasnov 2008, CFTR2 database). Functional studies suggest p.Arg1070 affects CFTR function and reduces chloride transport activity (Van Goor 2014). This variant is reported as likely pathogenic or pathogenic in ClinVar (Variation ID: 53685), and it is found in the general population with an overall frequency of 0.005% (14/282342 alleles) in the Genome Aggregation Database. Additionally, other amino acid substitutions at this codon (p.Arg1070Gln, p.Arg1070Pro) have been reported in individuals with CF or CFTR-related disorders and are considered disease-causing (Krasnov 2008, Sosnay 2013, CFTR2 database). Based on available information, the p.Arg1070Trp variant is considered to be pathogenic with varying clinical consequences. References: CFTR2 database: Jezequel P et al. Structural analysis of CFTR gene in congenital bilateral absence of vas deferens. Clin Chem. 1995 Jun;41(6 Pt 1):833-5. Krasnov KV et al. Localization studies of rare missense mutations in cystic fibrosis transmembrane conductance regulator (CFTR) facilitate interpretation of genotype-phenotype relationships. Hum Mutat. 2008 Nov;29(11):1364-72. Sosnay PR et al. Defining the disease liability of variants in the cystic fibrosis transmembrane conductance regulator gene. Nat Genet. 2013 Oct;45(10):1160-7. Van Goor F et al. Effect of ivacaftor on CFTR forms with missense mutations associated with defects in protein processing or function. J Cyst Fibros. 2014 Jan;13(1):29-36.

Molecular Genetics, Royal Melbourne Hospital
Classification: Pathogenic for Congenital bilateral absence of vas deferens. Last evaluated: 2023-03-30. Review status: criteria provided, single submitter. Criteria: ACMG Guidelines, 2015. Collection method: clinical testing. Allele origin: germline. Affected: yes. Not counted in ClinVar's aggregate classification.
Comment: This sequence change is predicted to replace arginine with tryptophan at codon 1070 of the CFTR protein, p.(Arg1070Trp). The arginine residue is evolutionarily conserved (100 vertebrates, UCSC), and is located in the fourth cytoplasmic loop of the cystic fibrosis transmembrane (CL4). There is a large physicochemical difference between arginine and tryptophan. The variant is present in a large population cohort at a frequency of 0.005%, which is consistent with recessive disease (rs202179988, 14/282,342 alleles, 0 homozygotes in gnomAD v2.1). It is classified as a CFTR variant of varying clinical consequences, and has been identified with a second pathogenic allele (mainly p.Phe508del) in non-classic pancreatic cystic fibrosis (CF), congenital bilateral absence of the vas deferens, and recurrent pancreatitis (for example PMID: 18951463, 31268981). The variant has also been identified as part of a complex allele that causes classic CF, when found in trans with a second pathogenic variant (PMID: 20880762). In vitro functional assays demonstrate that the variant causes mild defects on chloride transport and is inserted into the apical membrane at reduced levels (PMID: 8662892, 18951463, 23891399). Multiple lines of computational evidence predict a deleterious effect for the missense substitution (5/6 algorithms). Additionally, there is a different missense change (p.Arg1070Gln) at the same position determined to be pathogenic (ClinVar). Based on the classification scheme RMH Modified ACMG Guidelines v1.3.2, this variant is classified as PATHOGENIC. Following criteria are met: PM3_VeryStrong, PM5, PS3_Supporting, PM2_Supporting, PP3.

Women's Health and Genetics/Laboratory Corporation of America, LabCorp
Classification: Pathogenic for Cystic fibrosis. Last evaluated: 2022-06-20. Review status: criteria provided, single submitter. Criteria: LabCorp Variant Classification Summary - May 2015. Collection method: clinical testing. Allele origin: germline. Not counted in ClinVar's aggregate classification.
Comment: Variant summary: CFTR c.3208C>T (p.Arg1070Trp) results in a non-conservative amino acid change located in the ABC transporter type 1, transmembrane domain of the encoded protein sequence. Five of five in-silico tools predict a damaging effect of the variant on protein function. The variant allele was found at a frequency of 4.8e-05 in 250962 control chromosomes. This frequency is not significantly higher than expected for a pathogenic variant in CFTR causing CFTR-Related Diseases (4.8e-05 vs 0.013), allowing no conclusion about variant significance. c.3208C>T has been reported in the literature in compound heterozygosity with another pathogenic variant in multiple individuals affected with CFTR-Related Diseases, primarily CBAVD (e.g. Jezequel_1995, Steiner_2011) and Non-Classic Cystic Fibrosis (e.g. McGinnis_2005, Sosnay_2013). These data indicate that the variant is likely to be associated with disease. A worldwide survey of patients with the p.Arg1070Trp variant identified 24 patients with complete clinical data (21 of which had the common pathogenic variant p.Phe508del or another severe CFTR mutation), and included 15 patients with CBAVD, 9 with non-classic CF, and 1 with classic CF phenotypes (Krasnov_2008). A second large survey that collected data from CF registries and clinics in the US and Europe reported the variant in a total of 13 CF alleles, but indicated that only 20% of the individuals were pancreatic-insufficient, with a mean lung function of 93.7%. 16.7% of these patients had tested positive for Pseudomonas (Sosnay_2013). Collectively, the clinical data on patients with this variant suggests that c.3208C>T is most likely a relatively mild mutation that is most often associated with either pancreatic-sufficient non-classic CF or CBAVD when present in trans with a more severe CFTR mutation. Several functional studies evaluating an impact on protein function have reported conflicting conclusions regarding the effects of this variant. One study reported that chloride channel function in cells expressing the variant was comparable to wild-type (e.g. Mickle_2000), however, it has also been reported that chloride conductance in cells expressing the variant was <10% that of wild-type (e.g. Van Goor_2013, Sosnay_2013). CFTR maturation and the amount of protein expression was 91% and 67.8% of the wild-type as measured in HeLa cells and FRT cells, respectively (Sosnay_2013), and the variant was reported to retain localization to the apical membrane, albeit less efficiently than the wild-type protein (e.g. Krasnov_2008). Eleven submitters have submitted clinical-significance assessments for this variant to ClinVar after 2014 and classified teh variant VUS (n=1), likely pathogenic (n=1) and pathogenic (n=9). Based on the evidence outlined above, the variant was classified as pathogenic.

Quest Diagnostics Nichols Institute San Juan Capistrano
Classification: Pathogenic. Last evaluated: 2021-12-14. Review status: criteria provided, single submitter. Criteria: Quest Diagnostics criteria. Collection method: clinical testing. Allele origin: unknown. Not counted in ClinVar's aggregate classification.
Comment: In the published literature, the variant has been reported in several individuals affected with CBAVD or non-classic CF (PMID: 18951463 (2008), 20880762 (2010), 21520337 (2011), 26708955 (2016)). In addition, in vitro functional studies show this variant has a deleterious effect on CFTR protein processing, localization, and function (PMID: 18951463 (2008), 23974870 (2013), 23891399 (2014)). However, it was observed to have high chloride channel function in an earlier study (PMID: 10762539 (2000)). Based on the available information, this variant is classified as pathogenic.

Genome Diagnostics Laboratory, The Hospital for Sick Children
Classification: Pathogenic for Cystic fibrosis. Last evaluated: 2020-12-22. Review status: criteria provided, single submitter. Criteria: ACMG Guidelines, 2015. Collection method: clinical testing. Allele origin: germline. Not counted in ClinVar's aggregate classification.